The following is an entry in ClinVar:

ClinVar aggregate classification (germline): Uncertain significance (1 of 4 stars; one submission).

Submission:

Labcorp Genetics (formerly Invitae), Labcorp
Classification: Uncertain significance. Last evaluated: 2021-09-19. Review status: criteria provided, single submitter. Criteria: Invitae Variant Classification Sherloc (09022015). Collection method: clinical testing. Allele origin: germline.
Comment: In summary, the available evidence is currently insufficient to determine the role of this variant in disease. Therefore, it has been classified as a Variant of Uncertain Significance. Algorithms developed to predict the effect of sequence changes on RNA splicing suggest that this variant may create or strengthen a splice site, but this prediction has not been confirmed by published transcriptional studies. Algorithms developed to predict the effect of missense changes on protein structure and function are either unavailable or do not agree on the potential impact of this missense change (SIFT: "Deleterious"; PolyPhen-2: "Possibly Damaging"; Align-GVGD: "Class C0"). This variant has not been reported in the literature in individuals with HJV-related conditions. This variant is not present in population databases (ExAC no frequency). This sequence change replaces glutamic acid with valine at codon 151 of the HJV protein (p.Glu151Val). The glutamic acid residue is highly conserved and there is a moderate physicochemical difference between glutamic acid and valine.

NM_213653.4(HJV):c.452A>T (p.Glu151Val)

Gene: HJV (hemojuvelin BMP co-receptor; minus strand). Cytogenetic location: 1q21.1.
Variant type: single nucleotide variant.
Coding change: c.452A>T on transcript NM_213653.4 (MANE Select); coding-DNA position 452, A replaced by T.
Protein change: p.Glu151Val; replaces glutamic acid 151 with valine.
Molecular consequence: missense variant. On other transcripts: intron variant (3).
Genome position (GRCh38, 1-based): chr1:146,019,380, T>A on the plus strand (A>T on the coding strand, the complement: HJV is on the minus strand). VCF-style: chr1-146019380-T-A. GRCh37 (hg19) VCF-style: chr1-145415633-A-T.
Other names: c.452A>T, p.Glu151Val (NM_001379352.1); c.113A>T, p.Glu38Val (NM_145277.5); c.-21-680A>T (NM_213652.4); c.-22+318A>T (NM_202004.4, NM_001316767.2); short protein forms E151V, E38V.
Identifiers: ClinVar variation 1480702 (VCV001480702.8), dbSNP rs2101984552, ClinGen allele CA342141034.